The following is an entry in ClinVar:

ClinVar aggregate classification (germline): Uncertain significance (1 of 4 stars; one submission).

Submission:

Labcorp Genetics (formerly Invitae), Labcorp
Classification: Uncertain significance. Last evaluated: 2025-03-03. Review status: criteria provided, single submitter. Criteria: Invitae Variant Classification Sherloc (09022015). Collection method: clinical testing. Allele origin: germline.
Comment: This sequence change falls in intron 6 of the KCNK4 gene. It does not directly change the encoded amino acid sequence of the KCNK4 protein. It affects a nucleotide within the consensus splice site. This variant is not present in population databases (gnomAD no frequency). This variant has not been reported in the literature in individuals affected with KCNK4-related conditions. Variants that disrupt the consensus splice site are a relatively common cause of aberrant splicing (PMID: 17576681, 9536098). Algorithms developed to predict the effect of sequence changes on RNA splicing suggest that this variant may disrupt the consensus splice site. In summary, the available evidence is currently insufficient to determine the role of this variant in disease. Therefore, it has been classified as a Variant of Uncertain Significance.

Literature cited by the submitters: PubMed 17576681; PubMed 9536098.

NM_033310.3(KCNK4):c.801+5G>T

Genes: KCNK4 (potassium two pore domain channel subfamily K member 4; plus strand), KCNK4-CATSPERZ (KCNK4-CATSPERZ readthrough (NMD candidate); plus strand). Cytogenetic location: 11q13.1.
Variant type: single nucleotide variant.
Coding change: c.801+5G>T on transcript NM_033310.3 (MANE Select); 5 bases into the intron after coding-DNA position 801, G replaced by T.
Molecular consequence: intron variant.
Genome position (GRCh38, 1-based): chr11:64,298,254, G>T. VCF-style: chr11-64298254-G-T. GRCh37 (hg19) VCF-style: chr11-64065726-G-T.
Other names: c.801+5G>T (NM_001317090.2).
Identifiers: ClinVar variation 4769273 (VCV004769273.1).